The following is an entry in ClinVar:

NM_001282195.2(SLC25A14):c.364A>G (p.Ile122Val)

Gene: SLC25A14 (solute carrier family 25 member 14; plus strand). Cytogenetic location: Xq26.1.
Variant type: single nucleotide variant.
Coding change: c.364A>G on transcript NM_001282195.2 (MANE Select); coding-DNA position 364, A replaced by G.
Protein change: p.Ile122Val; replaces isoleucine 122 with valine.
Molecular consequence: missense variant. On other transcripts: non-coding transcript variant (1).
Genome position (GRCh38, 1-based): chrX:130,349,297, A>G. VCF-style: chrX-130349297-A-G. GRCh37 (hg19) VCF-style: chrX-129483271-A-G.
Other names: c.355A>G, p.Ile119Val (NM_001282196.2, NM_001282197.2); c.259A>G, p.Ile87Val (NM_001282198.2); short protein forms I119V, I122V, I87V.
Identifiers: ClinVar variation 2572328 (VCV002572328.1), dbSNP rs2520715791, ClinGen allele CA414661265.

ClinVar aggregate classification (germline): Uncertain significance (1 of 4 stars; one submission).

Submission:

Greenwood Genetic Center Diagnostic Laboratories, Greenwood Genetic Center
Classification: Uncertain significance. Last evaluated: 2023-04-13. Review status: criteria provided, single submitter. Criteria: ACMG Guidelines, 2015. Collection method: clinical testing. Allele origin: germline. Affected: yes.
Comment: Gene of Uncertain Significance